The following is an entry in ClinVar:

ClinVar aggregate classification (germline): Likely pathogenic (1 of 4 stars; one submission).

Conditions:
Metachromatic leukodystrophy (MLD). Also called: Arylsulfatase A Deficiency; SULFATIDE LIPIDOSIS; ARSA DEFICIENCY; CEREBROSIDE SULFATASE DEFICIENCY; METACHROMATIC LEUKOENCEPHALOPATHY; Cerebral sclerosis diffuse metachromatic form. Identifiers: Orphanet 512, MedGen C0023522, MONDO:0018868, OMIM 250100.

Allele frequency attached by ClinVar (database versions not stated): TOPMed 0.00001.

Submission:

Labcorp Genetics (formerly Invitae), Labcorp
Classification: Likely pathogenic for Metachromatic leukodystrophy. Last evaluated: 2026-01-31. Review status: criteria provided, single submitter. Criteria: Invitae Variant Classification Sherloc (09022015). Collection method: clinical testing. Allele origin: germline.
Comment: This sequence change replaces valine, which is neutral and non-polar, with phenylalanine, which is neutral and non-polar, at codon 388 of the ARSA protein (p.Val388Phe). This variant is not present in population databases (gnomAD no frequency). This missense change has been observed in individual(s) with metachromatic leukodystrophy (internal data). In at least one individual the data is consistent with being in trans (on the opposite chromosome) from a pathogenic variant. ClinVar contains an entry for this variant (Variation ID: 958407). Invitae Evidence Modeling of protein sequence and biophysical properties (such as structural, functional, and spatial information, amino acid conservation, physicochemical variation, residue mobility, and thermodynamic stability) indicates that this missense variant is expected to disrupt ARSA protein function with a positive predictive value of 80%. In summary, the currently available evidence indicates that the variant is pathogenic, but additional data are needed to prove that conclusively. Therefore, this variant has been classified as Likely Pathogenic.

NM_000487.6(ARSA):c.1162G>T (p.Val388Phe)

Gene: ARSA (arylsulfatase A; minus strand). Cytogenetic location: 22q13.33.
Variant type: single nucleotide variant.
Coding change: c.1162G>T on transcript NM_000487.6 (MANE Select); coding-DNA position 1162, G replaced by T.
Protein change: p.Val388Phe; replaces valine 388 with phenylalanine.
Molecular consequence: missense variant.
Genome position (GRCh38, 1-based): chr22:50,625,627, C>A on the plus strand (G>T on the coding strand, the complement: ARSA is on the minus strand). VCF-style: chr22-50625627-C-A. GRCh37 (hg19) VCF-style: chr22-51064055-C-A.
Other names: c.1162G>T, p.Val388Phe (NM_001085425.3, NM_001085426.3, NM_001085427.3); c.904G>T, p.Val302Phe (NM_001085428.3, NM_001362782.2); short protein forms V388F, V302F.
Identifiers: ClinVar variation 958407 (VCV000958407.6), dbSNP rs1222719732, ClinGen allele CA412170144.